The following is an entry in ClinVar:

NM_001365951.3(KIF1B):c.606C>G (p.Ala202=)

Gene: KIF1B (kinesin family member 1B; plus strand). Cytogenetic location: 1p36.22.
Variant type: single nucleotide variant.
Coding change: c.606C>G on transcript NM_001365951.3 (MANE Select); coding-DNA position 606, C replaced by G.
Protein change: p.Ala202=; no amino-acid change (alanine 202 retained).
Molecular consequence: synonymous variant.
Genome position (GRCh38, 1-based): chr1:10,267,556, C>G. VCF-style: chr1-10267556-C-G. GRCh37 (hg19) VCF-style: chr1-10327614-C-G.
Other names: c.606C>G, p.Ala202= (NM_001365952.1, NM_001365953.1, NM_015074.3 and 1 more transcripts).
Identifiers: ClinVar variation 916752 (VCV000916752.4), dbSNP rs766873320, ClinGen allele CA415879493.

ClinVar aggregate classification (germline): Conflicting classifications of pathogenicity. Review status: criteria provided, conflicting classifications (1 of 4 stars). 3 submissions from 3 submitters: Uncertain significance (1); Likely benign (2). Last evaluated 2024-11-19.

Conditions:
Charcot-Marie-Tooth disease type 2. Also called: Charcot-Marie-Tooth type 2. Identifiers: Orphanet 64746, MedGen C0270914, MONDO:0018993.
Charcot-Marie-Tooth disease. Also called: Charcot-Marie-Tooth Hereditary Neuropathy; Charcot-Marie-Tooth Neuropathy. Identifiers: Orphanet 166, MedGen C0007959, MONDO:0015626.

Allele frequency attached by ClinVar (database versions not stated): gnomAD exomes below 0.00001.
gnomAD v4.1: 1 of 1,613,726 alleles (0.000062%); highest among the groups gnomAD compares: South Asian, 0.0011%; no homozygotes.

Submissions (3):

Labcorp Genetics (formerly Invitae), Labcorp
Classification: Likely benign for Charcot-Marie-Tooth disease type 2. Last evaluated: 2024-11-19. Review status: criteria provided, single submitter. Criteria: Invitae Variant Classification Sherloc (09022015). Collection method: clinical testing. Allele origin: germline.

Ambry Genetics
Classification: Uncertain significance. Last evaluated: 2024-04-10. Review status: criteria provided, single submitter. Criteria: Ambry Variant Classification Scheme 2023. Collection method: clinical testing. Allele origin: germline.
Comment: The c.606C>G variant (also known as p.A202A), located in coding exon 5 of the KIF1B gene, results from a C to G substitution at nucleotide position 606. This nucleotide substitution does not change the alanine at codon 202. This nucleotide position is well conserved in available vertebrate species. In silico splice site analysis for this alteration is inconclusive. The evidence for this gene-disease relationship is limited; therefore, the clinical significance of this alteration is unclear.

Molecular Genetics Laboratory, London Health Sciences Centre
Classification: Likely benign for Charcot-Marie-Tooth disease. Review status: criteria provided, single submitter. Criteria: ACMG Guidelines, 2015. Collection method: clinical testing. Allele origin: germline. Affected: yes.